The following is an entry in ClinVar:

ClinVar aggregate classification (germline): Uncertain significance (1 of 4 stars; one submission).

Conditions:
Hereditary cancer-predisposing syndrome. Also called: Hereditary Cancer Syndrome; Hereditary neoplastic syndrome; Tumor predisposition; Neoplastic Syndromes, Hereditary. Identifiers: Orphanet 140162, MedGen C0027672, MeSH D009386, MONDO:0015356.

Submission:

Ambry Genetics
Classification: Uncertain significance for Hereditary cancer-predisposing syndrome. Last evaluated: 2020-01-08. Review status: criteria provided, single submitter. Criteria: Ambry Variant Classification Scheme 2023. Collection method: clinical testing. Allele origin: germline.
Comment: The p.D765E variant (also known as c.2295C>G), located in coding exon 5 of the PALB2 gene, results from a C to G substitution at nucleotide position 2295. The aspartic acid at codon 765 is replaced by glutamic acid, an amino acid with highly similar properties. This amino acid position is not well conserved in available vertebrate species. In addition, this alteration is predicted to be tolerated by in silico analysis. Since supporting evidence is limited at this time, the clinical significance of this alteration remains unclear.

NM_024675.4(PALB2):c.2295C>G (p.Asp765Glu)

Gene: PALB2 (partner and localizer of BRCA2; minus strand). Cytogenetic location: 16p12.2.
Variant type: single nucleotide variant.
Coding change: c.2295C>G on transcript NM_024675.4 (MANE Select); coding-DNA position 2295, C replaced by G.
Protein change: p.Asp765Glu; replaces aspartic acid 765 with glutamic acid.
Molecular consequence: missense variant.
Genome position (GRCh38, 1-based): chr16:23,629,859, G>C on the plus strand (C>G on the coding strand, the complement: PALB2 is on the minus strand). VCF-style: chr16-23629859-G-C. GRCh37 (hg19) VCF-style: chr16-23641180-G-C.
Other names: c.2235C>G, p.Asp745Glu (NM_001407296.1); c.2295C>G, p.Asp765Glu (NM_001407297.1, NM_001407298.1, NM_001407299.1 and 3 more transcripts); c.1410C>G, p.Asp470Glu (NM_001407304.1, NM_001407305.1, NM_001407306.1 and 5 more transcripts); c.507C>G, p.Asp169Glu (NM_001407312.1, NM_001407313.1); short protein forms D169E, D470E, D745E, D765E.
Identifiers: ClinVar variation 1789159 (VCV001789159.2), dbSNP rs2142376232, ClinGen allele CA395125297.